The following is an entry in ClinVar:

NM_025193.4(HSD3B7):c.870G>A (p.Leu290=)

Gene: HSD3B7 (hydroxy-delta-5-steroid dehydrogenase, 3 beta- and steroid delta-isomerase 7; plus strand). Cytogenetic location: 16p11.2.
Variant type: single nucleotide variant.
Coding change: c.870G>A on transcript NM_025193.4 (MANE Select); coding-DNA position 870, G replaced by A.
Protein change: p.Leu290=; no amino-acid change (leucine 290 retained).
Molecular consequence: synonymous variant. On other transcripts: 3 prime UTR variant (2).
Genome position (GRCh38, 1-based): chr16:30,987,943, G>A. VCF-style: chr16-30987943-G-A. GRCh37 (hg19) VCF-style: chr16-30999264-G-A.
Other names: c.*116G>A (NM_001142777.2, NM_001142778.2).
Identifiers: ClinVar variation 3030159 (VCV003030159.2), dbSNP rs763793775, ClinGen allele CA8018132.

ClinVar aggregate classification (germline): Likely benign (0 of 4 stars; one submission).

Conditions:
HSD3B7-related disorder. Also called: HSD3B7-related condition.

Allele frequency attached by ClinVar (database versions not stated): gnomAD exomes below 0.00001; ExAC 0.00001; gnomAD 0.00001.

Submission:

PreventionGenetics, part of Exact Sciences
Classification: Likely benign for HSD3B7-related condition. Last evaluated: 2021-09-09. Review status: no assertion criteria provided. Collection method: clinical testing. Allele origin: germline.
Comment: This variant is classified as likely benign based on ACMG/AMP sequence variant interpretation guidelines (Richards et al. 2015 PMID: 25741868, with internal and published modifications).